The following is an entry in ClinVar:

ClinVar aggregate classification (germline): Uncertain significance. Review status: criteria provided, multiple submitters, no conflicts (2 of 4 stars). 4 submissions from 4 submitters: Uncertain significance (3). 1 of the submissions does not count toward it. Last evaluated 2026-02-02.

Conditions:
Duchenne muscular dystrophy (DMD). Also called: Duchenne Muscular Dystrophy (DMD); MUSCULAR DYSTROPHY, PSEUDOHYPERTROPHIC PROGRESSIVE, DUCHENNE TYPE. Identifiers: Orphanet 98896, MedGen C0013264, MONDO:0010679, OMIM 310200.
Dystrophin deficiency.
Becker muscular dystrophy (BMD). Also called: MUSCULAR DYSTROPHY, PSEUDOHYPERTROPHIC PROGRESSIVE, BECKER TYPE; Becker Muscular Dystrophy (BMD). Identifiers: Orphanet 98895, MedGen C0917713, MONDO:0010311, OMIM 300376.
Cardiomyopathy (CMYO). Also called: Cardiomyopathies. Identifiers: Orphanet 167848, MedGen C0878544, MONDO:0004994, HP:0001638. Inheritance: Various modes of inheritance.

Allele frequency attached by ClinVar (database versions not stated): gnomAD 0.00001; TOPMed 0.00001.
gnomAD v4.1: 2 of 1,208,241 alleles (0.00017%); highest among the groups gnomAD compares: Non-Finnish European, 0.00022%; no homozygotes.

Submissions (4):

Women's Health and Genetics/Laboratory Corporation of America, LabCorp
Classification: Uncertain significance. Last evaluated: 2026-02-02. Review status: criteria provided, single submitter. Criteria: LabCorp Variant Classification Summary - May 2015. Collection method: clinical testing. Allele origin: germline.

Labcorp Genetics (formerly Invitae), Labcorp
Classification: Uncertain significance for Duchenne muscular dystrophy. Last evaluated: 2022-01-27. Review status: criteria provided, single submitter. Criteria: Invitae Variant Classification Sherloc (09022015). Collection method: clinical testing. Allele origin: germline.
Comment: This variant is not present in population databases (gnomAD no frequency). In summary, the available evidence is currently insufficient to determine the role of this variant in disease. Therefore, it has been classified as a Variant of Uncertain Significance. Algorithms developed to predict the effect of missense changes on protein structure and function (SIFT, PolyPhen-2, Align-GVGD) all suggest that this variant is likely to be tolerated. ClinVar contains an entry for this variant (Variation ID: 847438). This variant has not been reported in the literature in individuals affected with DMD-related conditions. This sequence change replaces alanine, which is neutral and non-polar, with valine, which is neutral and non-polar, at codon 1637 of the DMD protein (p.Ala1637Val).

Revvity Omics, Revvity
Classification: Uncertain significance. Last evaluated: 2019-03-11. Review status: criteria provided, single submitter. Criteria: ACMG Guidelines, 2015. Collection method: clinical testing. Allele origin: germline.

Natera, Inc.
Classification: Uncertain significance for Becker muscular dystrophy; Cardiomyopathy; Duchenne muscular dystrophy; Dystrophin deficiency. Last evaluated: 2019-10-11. Review status: no assertion criteria provided. Collection method: clinical testing. Allele origin: germline. Not counted in ClinVar's aggregate classification.

NM_004006.3(DMD):c.4910C>T (p.Ala1637Val)

Gene: DMD (dystrophin; minus strand). Cytogenetic location: Xp21.1.
Variant type: single nucleotide variant.
Coding change: c.4910C>T on transcript NM_004006.3 (MANE Select); coding-DNA position 4910, C replaced by T.
Protein change: p.Ala1637Val; replaces alanine 1637 with valine.
Molecular consequence: missense variant.
Genome position (GRCh38, 1-based): chrX:32,365,135, G>A on the plus strand (C>T on the coding strand, the complement: DMD is on the minus strand). VCF-style: chrX-32365135-G-A. GRCh37 (hg19) VCF-style: chrX-32383252-G-A.
Other names: c.4886C>T, p.Ala1629Val (NM_000109.4); c.4898C>T, p.Ala1633Val (NM_004009.3); c.4541C>T, p.Ala1514Val (NM_004010.3); c.887C>T, p.Ala296Val (NM_004011.4); c.878C>T, p.Ala293Val (NM_004012.4); short protein forms A293V, A1633V, A1637V, A1629V, A1514V, A296V.
Identifiers: ClinVar variation 847438 (VCV000847438.17), dbSNP rs1285159164, ClinGen allele CA412672232.